The following is an entry in ClinVar:

ClinVar aggregate classification (germline): Pathogenic (1 of 4 stars; one submission).

Conditions:
Combined immunodeficiency due to STK4 deficiency (IMD110). Also called: T-cell immunodeficiency, recurrent infections, and autoimmunity with or without cardiac malformations; STK4 DEFICIENCY; MST1 DEFICIENCY. Identifiers: Orphanet 314689, MedGen C3553943, MONDO:0013934, OMIM 614868.

Submission:

Labcorp Genetics (formerly Invitae), Labcorp
Classification: Pathogenic for Combined immunodeficiency due to STK4 deficiency. Last evaluated: 2020-12-14. Review status: criteria provided, single submitter. Criteria: Invitae Variant Classification Sherloc (09022015). Collection method: clinical testing. Allele origin: germline.
Comment: This variant is not present in population databases (ExAC no frequency). This variant has not been reported in the literature in individuals with STK4-related conditions. For these reasons, this variant has been classified as Pathogenic. This sequence change creates a premature translational stop signal (p.Glu125*) in the STK4 gene. It is expected to result in an absent or disrupted protein product. Loss-of-function variants in STK4 are known to be pathogenic (PMID: 22174160).

Literature cited by the submitters: PubMed 22174160.

NM_006282.5(STK4):c.373G>T (p.Glu125Ter)

Gene: STK4 (serine/threonine kinase 4; plus strand). Cytogenetic location: 20q13.12.
Variant type: single nucleotide variant.
Coding change: c.373G>T on transcript NM_006282.5 (MANE Select); coding-DNA position 373, G replaced by T.
Protein change: p.Glu125Ter; replaces glutamic acid 125 with a stop codon.
Molecular consequence: nonsense.
Genome position (GRCh38, 1-based): chr20:44,987,144, G>T. VCF-style: chr20-44987144-G-T. GRCh37 (hg19) VCF-style: chr20-43615785-G-T.
Other names: c.373G>T, p.Glu125Ter (NM_001352385.2); short protein forms E125*.
Identifiers: ClinVar variation 1455329 (VCV001455329.6), dbSNP rs2145665305, ClinGen allele CA409124153.